The following is an entry in ClinVar:

NM_000059.4(BRCA2):c.5060T>G (p.Leu1687Arg)

Gene: BRCA2 (BRCA2 DNA repair associated; plus strand). Cytogenetic location: 13q13.1.
Variant type: single nucleotide variant.
Coding change: c.5060T>G on transcript NM_000059.4 (MANE Select); coding-DNA position 5060, T replaced by G.
Protein change: p.Leu1687Arg; replaces leucine 1687 with arginine.
Molecular consequence: missense variant.
Genome position (GRCh38, 1-based): chr13:32,339,415, T>G. VCF-style: chr13-32339415-T-G. GRCh37 (hg19) VCF-style: chr13-32913552-T-G.
Other names: short protein forms L1687R.
Identifiers: ClinVar variation 939528 (VCV000939528.11), dbSNP rs2072519361, ClinGen allele CA387784040.
Genomic context (GRCh38, chr13:32,339,415, plus strand): 5'-CAGCCTTAGCTTTTTACACAAGTTGTAGTAGAAAAACTTCTGTGAGTCAGACTTCATTAC[T>G]TGAAGCAAAAAAATGGCTTAGAGAAGGAATATTTGATGGTCAACCAGAAAGAATAAATAC-3'
Protein context (NP_000050.3, residues 1677-1697): RKTSVSQTSL[Leu1687Arg]EAKKWLREGI

ClinVar aggregate classification (germline): Conflicting classifications of pathogenicity. Review status: criteria provided, conflicting classifications (1 of 4 stars). 2 submissions from 2 submitters: Uncertain significance (1); Likely benign (1). Last evaluated 2023-03-23.

Conditions:
Hereditary breast ovarian cancer syndrome. Also called: Hereditary breast and/or ovarian cancer syndrome; Hereditary breast and ovarian cancer syndrome; Hereditary breast and ovarian cancer; Hereditary breast and ovarian cancer syndrome (HBOC); Breast and ovarian cancer; BRCA1- and BRCA2-Associated Hereditary Breast and Ovarian Cancer. Identifiers: Orphanet 145, MedGen C0677776, MeSH D061325, MONDO:0003582. Disease mechanism: loss of function.
Hereditary cancer-predisposing syndrome. Also called: Hereditary neoplastic syndrome; Neoplastic Syndromes, Hereditary; Tumor predisposition; Hereditary Cancer Syndrome. Identifiers: Orphanet 140162, MedGen C0027672, MeSH D009386, MONDO:0015356.

Submissions (2):

University of Washington Department of Laboratory Medicine, University of Washington
Classification: Likely benign for Hereditary cancer-predisposing syndrome. Last evaluated: 2023-03-23. Review status: criteria provided, single submitter. Criteria: Dines et al. (Genet Med. 2020). Collection method: curation. Allele origin: germline.
Comment: Missense variant in a coldspot region where missense variants are very unlikely to be pathogenic (PMID:31911673).

BRCA2 exon 11 coldspot. Reclassification based on statistical prior probability.

Labcorp Genetics (formerly Invitae), Labcorp
Classification: Uncertain significance for Hereditary breast ovarian cancer syndrome. Last evaluated: 2019-09-30. Review status: criteria provided, single submitter. Criteria: Invitae Variant Classification Sherloc (09022015). Collection method: clinical testing. Allele origin: germline.
Comment: This sequence change replaces leucine with arginine at codon 1687 of the BRCA2 protein (p.Leu1687Arg). The leucine residue is moderately conserved and there is a moderate physicochemical difference between leucine and arginine. This variant is not present in population databases (ExAC no frequency). This variant has not been reported in the literature in individuals with BRCA2-related conditions. Algorithms developed to predict the effect of missense changes on protein structure and function are either unavailable or do not agree on the potential impact of this missense change (SIFT: "Deleterious"; PolyPhen-2: "Possibly Damaging"; Align-GVGD: "Class C0"). In summary, the available evidence is currently insufficient to determine the role of this variant in disease. Therefore, it has been classified as a Variant of Uncertain Significance.